The following is an entry in ClinVar:

NM_001126108.2(SLC12A3):c.505+3G>T

Gene: SLC12A3 (solute carrier family 12 member 3; plus strand). Cytogenetic location: 16q13.
Variant type: single nucleotide variant.
Coding change: c.505+3G>T on transcript NM_001126108.2 (MANE Select); 3 bases into the intron after coding-DNA position 505, G replaced by T.
Molecular consequence: intron variant.
Genome position (GRCh38, 1-based): chr16:56,868,375, G>T. VCF-style: chr16-56868375-G-T. GRCh37 (hg19) VCF-style: chr16-56902287-G-T.
Other names: c.505+3G>T (NM_000339.3); c.502+3G>T (NM_001126107.2, NM_001410896.1).
Identifiers: ClinVar variation 2911150 (VCV002911150.3), dbSNP rs1964411195, ClinGen allele CA2224348390.

ClinVar aggregate classification (germline): Uncertain significance (1 of 4 stars; one submission).

Allele frequency attached by ClinVar (database versions not stated): TOPMed below 0.00001.

Submission:

Labcorp Genetics (formerly Invitae), Labcorp
Classification: Uncertain significance. Last evaluated: 2023-09-30. Review status: criteria provided, single submitter. Criteria: Invitae Variant Classification Sherloc (09022015). Collection method: clinical testing. Allele origin: germline.
Comment: In summary, the available evidence is currently insufficient to determine the role of this variant in disease. Therefore, it has been classified as a Variant of Uncertain Significance. Variants that disrupt the consensus splice site are a relatively common cause of aberrant splicing (PMID: 17576681, 9536098). Algorithms developed to predict the effect of sequence changes on RNA splicing suggest that this variant is not likely to affect RNA splicing. This variant has not been reported in the literature in individuals affected with SLC12A3-related conditions. This variant is not present in population databases (gnomAD no frequency). This sequence change falls in intron 3 of the SLC12A3 gene. It does not directly change the encoded amino acid sequence of the SLC12A3 protein. It affects a nucleotide within the consensus splice site.

Literature cited by the submitters: PubMed 17576681; PubMed 9536098.